The following is an entry in ClinVar:

NM_001009944.3(PKD1):c.4741T>C (p.Ser1581Pro)

Gene: PKD1 (polycystin 1, transient receptor potential channel interacting; minus strand). Cytogenetic location: 16p13.3.
Variant type: single nucleotide variant.
Coding change: c.4741T>C on transcript NM_001009944.3 (MANE Select); coding-DNA position 4741, T replaced by C.
Protein change: p.Ser1581Pro; replaces serine 1581 with proline.
Molecular consequence: missense variant.
Genome position (GRCh38, 1-based): chr16:2,110,426, A>G on the plus strand (T>C on the coding strand, the complement: PKD1 is on the minus strand). VCF-style: chr16-2110426-A-G. GRCh37 (hg19) VCF-style: chr16-2160427-A-G.
Other names: c.4741T>C, p.Ser1581Pro (NM_000296.4); short protein forms S1581P.
Identifiers: ClinVar variation 4536074 (VCV004536074.1).

ClinVar aggregate classification (germline): Uncertain significance (1 of 4 stars; one submission).

Submission:

Women's Health and Genetics/Laboratory Corporation of America, LabCorp
Classification: Uncertain significance. Last evaluated: 2025-09-22. Review status: criteria provided, single submitter. Criteria: LabCorp Variant Classification Summary - May 2015. Collection method: clinical testing. Allele origin: germline.
Comment: Variant summary: PKD1 c.4741T>C (p.Ser1581Pro) results in a non-conservative amino acid change in the encoded protein sequence. Algorithms developed to predict the effect of missense changes on protein structure and function are either unavailable or do not agree on the potential impact of this missense change. The variant was absent in 249222 control chromosomes. The available data on variant occurrences in the general population are insufficient to allow any conclusion about variant significance. c.4741T>C has been observed in the presumed heterozygous state in at least 1 individual(s) affected with autosomal dominant Polycystic Kidney Disease 1 (example, Lindemann_2023). These data do not allow any conclusion about variant significance. To our knowledge, no experimental evidence demonstrating an impact on protein function has been reported. The following publication has been ascertained in the context of this evaluation (PMID: 36938073). No submitters have cited clinical-significance assessments for this variant to ClinVar. Based on the evidence outlined above, the variant was classified as uncertain significance.

Literature cited by the submitters: PubMed 36938073.